The following is an entry in ClinVar:

NM_000135.4(FANCA):c.2687T>G (p.Leu896Trp)

Genes: FANCA (FA complementation group A; minus strand), LOC130059837 (ATAC-STARR-seq lymphoblastoid active region 11420; plus strand). Cytogenetic location: 16q24.3.
Variant type: single nucleotide variant.
Coding change: c.2687T>G on transcript NM_000135.4 (MANE Select); coding-DNA position 2687, T replaced by G.
Protein change: p.Leu896Trp; replaces leucine 896 with tryptophan.
Molecular consequence: missense variant.
Genome position (GRCh38, 1-based): chr16:89,764,981, A>C on the plus strand (T>G on the coding strand, the complement: FANCA is on the minus strand). VCF-style: chr16-89764981-A-C. GRCh37 (hg19) VCF-style: chr16-89831389-A-C.
Other names: c.2687T>G, p.Leu896Trp (NM_001286167.3); short protein forms L896W.
Identifiers: ClinVar variation 1359083 (VCV001359083.8), dbSNP rs2143288811, ClinGen allele CA397438443.
Genomic context (GRCh38, chr16:89,764,981, plus strand): 5'-AAGGTTCTGTGTGTCCAGAGAGAGAGGGCAGCTCTCTGCCAGTCTGCAGAAGGAAGGTGC[A>C]AGGGTCTCCAGGAAAGGCTGGCTACGTCCTCCTCAGAAAGAGGCTGTCGGGCCTCTGAGA-3'
Protein context (NP_000126.2, residues 886-906): EDVASLSWRP[Leu896Trp]HLPSADWQRA

ClinVar aggregate classification (germline): Uncertain significance (1 of 4 stars; one submission).

Conditions:
Fanconi anemia (FA). Also called: Fanconi's anemia. Identifiers: Orphanet 84, MedGen C0015625, MeSH D005199, MONDO:0019391.

Submission:

Labcorp Genetics (formerly Invitae), Labcorp
Classification: Uncertain significance for Fanconi anemia. Last evaluated: 2020-12-23. Review status: criteria provided, single submitter. Criteria: Invitae Variant Classification Sherloc (09022015). Collection method: clinical testing. Allele origin: germline.
Comment: This sequence change replaces leucine with tryptophan at codon 896 of the FANCA protein (p.Leu896Trp). The leucine residue is moderately conserved and there is a small physicochemical difference between leucine and tryptophan. This variant is not present in population databases (ExAC no frequency). This variant has not been reported in the literature in individuals with FANCA-related conditions. Advanced modeling of protein sequence and biophysical properties (such as structural, functional, and spatial information, amino acid conservation, physicochemical variation, residue mobility, and thermodynamic stability) performed at Invitae indicates that this missense variant is expected to disrupt FANCA protein function. In summary, the available evidence is currently insufficient to determine the role of this variant in disease. Therefore, it has been classified as a Variant of Uncertain Significance.